The following is an entry in ClinVar:

NM_014252.4(SLC25A15):c.563T>C (p.Phe188Ser)

Gene: SLC25A15 (solute carrier family 25 member 15; plus strand). Cytogenetic location: 13q14.11.
Variant type: single nucleotide variant.
Coding change: c.563T>C on transcript NM_014252.4 (MANE Select); coding-DNA position 563, T replaced by C.
Protein change: p.Phe188Ser; replaces phenylalanine 188 with serine.
Molecular consequence: missense variant.
Genome position (GRCh38, 1-based): chr13:40,807,404, T>C. VCF-style: chr13-40807404-T-C. GRCh37 (hg19) VCF-style: chr13-41381540-T-C.
Other names: short protein forms F188S.
Identifiers: ClinVar variation 4536843 (VCV004536843.1).
Genomic context (GRCh38, chr13:40,807,404, plus strand): 5'-GGTTCTACCATGGACTCTCAAGCACTTTACTTCGAGAAGTACCAGGCTATTTCTTCTTCT[T>C]CGGTGGCTATGAACTGAGCCGGTCCTTTTTTGCATCAGGGAGATCAAAAGATGAATTAGG-3'
Protein context (NP_055067.1, residues 178-198): LREVPGYFFF[Phe188Ser]GGYELSRSFF

ClinVar aggregate classification (germline): Uncertain significance (1 of 4 stars; one submission).

gnomAD v4.1: 1 of 1,614,228 alleles (0.000062%); highest among the groups gnomAD compares: Admixed American, 0.0017%; no homozygotes.

Submission:

Women's Health and Genetics/Laboratory Corporation of America, LabCorp
Classification: Uncertain significance. Last evaluated: 2025-11-11. Review status: criteria provided, single submitter. Criteria: LabCorp Variant Classification Summary - May 2015. Collection method: clinical testing. Allele origin: germline.
Comment: Variant summary: SLC25A15 c.563T>C (p.Phe188Ser) results in a non-conservative amino acid change in the encoded protein sequence. Algorithms developed to predict the effect of missense changes on protein structure and function all suggest that this variant is likely to be disruptive. At-least two pathogenic variants affecting this codon, namely p.Phe188del and p.Phe188Leu, support the critical relevance of this codon to SLC25A15 protein function. The variant allele was found at a frequency of 4e-06 in 251454 control chromosomes. To our knowledge, no occurrence of c.563T>C in individuals affected with SLC25A15-related conditions and no experimental evidence demonstrating its impact on protein function have been reported. No submitters have cited clinical-significance assessments for this variant to ClinVar. Based on the evidence outlined above, the variant was classified as VUS-possibly pathogenic.